The following is an entry in ClinVar:

ClinVar aggregate classification (germline): Pathogenic/Likely pathogenic. Review status: criteria provided, multiple submitters, no conflicts (2 of 4 stars). 2 submissions from 2 submitters: Pathogenic (1); Likely pathogenic (1). Last evaluated 2025-11-06.

Conditions:
Muscular dystrophy-dystroglycanopathy (congenital with brain and eye anomalies), type A1 (MDDGA1). Also called: COD-MD SYNDROME; Muscular dystrophy-dystroglycanopathy (congenital with brain and eye anomalies), type A, 1; WALKER-WARBURG SYNDROME OR MUSCLE-EYE-BRAIN DISEASE, POMT1-RELATED; Hydrocephalus, agyria and retinal dysplasia; Hard +/- E syndrome; Warburg syndrome. Identifiers: Orphanet 588, Orphanet 899, MedGen C4284790, MONDO:0009364, OMIM 236670.
Walker-Warburg congenital muscular dystrophy. Also called: Muscular dystrophy-dystroglycanopathy, type A; Walker-Warburg syndrome. Identifiers: Orphanet 899, MedGen C0265221, MONDO:0000171.
Autosomal recessive limb-girdle muscular dystrophy type 2K. Also called: MUSCULAR DYSTROPHY-DYSTROGLYCANOPATHY (LIMB-GIRDLE), TYPE C, 1; MUSCULAR DYSTROPHY, LIMB-GIRDLE, TYPE 2K. Identifiers: Orphanet 86812, MedGen C1836373, MONDO:0012248, OMIM 609308.
Muscular dystrophy-dystroglycanopathy (congenital with impaired intellectual development), type B, 1. Also called: Muscular dystrophy-dystroglycanopathy (congenital with intellectual disability), type B1; MUSCULAR DYSTROPHY, CONGENITAL, POMT1-RELATED. Identifiers: MedGen C5436962, MONDO:0013159, OMIM 613155.

Allele frequency attached by ClinVar (database versions not stated): gnomAD exomes below 0.00001; TOPMed 0.00002; gnomAD 0.00001.

Submissions (2):

Labcorp Genetics (formerly Invitae), Labcorp
Classification: Pathogenic for Muscular dystrophy-dystroglycanopathy (congenital with impaired intellectual development), type B, 1; Walker-Warburg congenital muscular dystrophy; Autosomal recessive limb-girdle muscular dystrophy type 2K. Last evaluated: 2025-11-06. Review status: criteria provided, single submitter. Criteria: Invitae Variant Classification Sherloc (09022015). Collection method: clinical testing. Allele origin: germline.
Comment: This sequence change replaces glutamic acid, which is acidic and polar, with lysine, which is basic and polar, at codon 44 of the POMT1 protein (p.Glu44Lys). This variant is present in population databases (no rsID available, gnomAD 0.0009%). This missense change has been observed in individual(s) with muscular dystrophy-dystroglycanopathy (PMID: 24491487, 27193224). In at least one individual the data is consistent with being in trans (on the opposite chromosome) from a pathogenic variant. ClinVar contains an entry for this variant (Variation ID: 1458255). Invitae Evidence Modeling of protein sequence and biophysical properties (such as structural, functional, and spatial information, amino acid conservation, physicochemical variation, residue mobility, and thermodynamic stability) indicates that this missense variant is expected to disrupt POMT1 protein function with a positive predictive value of 95%. Algorithms developed to predict the effect of sequence changes on RNA splicing suggest that this variant may disrupt the consensus splice site. This variant disrupts the p.Glu44 amino acid residue in POMT1. Other variant(s) that disrupt this residue have been determined to be pathogenic (PMID: 27159402). This suggests that this residue is clinically significant, and that variants that disrupt this residue are likely to be disease-causing. For these reasons, this variant has been classified as Pathogenic.

Baylor Genetics
Classification: Likely pathogenic for Muscular dystrophy-dystroglycanopathy (congenital with brain and eye anomalies), type A1. Last evaluated: 2023-11-28. Review status: criteria provided, single submitter. Criteria: ACMG Guidelines, 2015. Collection method: clinical testing. Allele origin: unknown.

Literature cited by the submitters: PubMed 24491487 (cited by Labcorp Genetics (formerly Invitae), Labcorp); PubMed 27193224 (cited by Labcorp Genetics (formerly Invitae), Labcorp); PubMed 27159402 (cited by Labcorp Genetics (formerly Invitae), Labcorp).

NM_001077365.2(POMT1):c.130G>A (p.Glu44Lys)

Gene: POMT1 (protein O-mannosyltransferase 1; plus strand). Cytogenetic location: 9q34.13.
Variant type: single nucleotide variant.
Coding change: c.130G>A on transcript NM_001077365.2 (MANE Select); coding-DNA position 130, G replaced by A.
Protein change: p.Glu44Lys; replaces glutamic acid 44 with lysine.
Molecular consequence: missense variant. On other transcripts: 5 prime UTR variant (6), non-coding transcript variant (7), intron variant (8).
Genome position (GRCh38, 1-based): chr9:131,506,121, G>A. VCF-style: chr9-131506121-G-A. GRCh37 (hg19) VCF-style: chr9-134381508-G-A.
Other names: c.-33G>A (NM_001353194.2, NM_001353197.2, NM_001353198.2 and 3 more transcripts); c.-71-1247G>A (NM_001374691.1, NM_001374692.1); c.123-282G>A (NM_001353196.2); c.-122-282G>A (NM_001353195.2, NM_001353199.2, NM_001136114.2); c.130G>A, p.Glu44Lys (NM_001374690.1, NM_007171.4, NM_001136113.2 and 1 more transcripts); c.-30+1781G>A (NM_001374695.1); c.-80-282G>A (NM_001353200.2); short protein forms E44K.
Identifiers: ClinVar variation 1458255 (VCV001458255.10), dbSNP rs1397478363, ClinGen allele CA375305542.
Genomic context (GRCh38, chr9:131,506,121, plus strand): 5'-TTACAGTTAAGATTCTAATTGAATATAATATGGGTTGTTGTTTTTTTTTCTAGTTTTGAC[G>A]AAGTATATTATGGGCAGTACATCTCTTTTTACATGAAACAAATCTTCTTCTTGGATGACA-3'
Protein context (NP_001070833.1, residues 34-54): LTYPRAVVFD[Glu44Lys]VYYGQYISFY